The following is an entry in ClinVar:

NM_025074.7(FRAS1):c.4625G>A (p.Arg1542His)

Gene: FRAS1 (Fraser extracellular matrix complex subunit 1; plus strand). Cytogenetic location: 4q21.21.
Variant type: single nucleotide variant.
Coding change: c.4625G>A on transcript NM_025074.7 (MANE Select); coding-DNA position 4625, G replaced by A.
Protein change: p.Arg1542His; replaces arginine 1542 with histidine.
Molecular consequence: missense variant.
Genome position (GRCh38, 1-based): chr4:78,421,947, G>A. VCF-style: chr4-78421947-G-A. GRCh37 (hg19) VCF-style: chr4-79343101-G-A.
Other names: c.4625G>A, p.Arg1542His (NM_001166133.2); short protein forms R1542H.
Identifiers: ClinVar variation 2200622 (VCV002200622.3), dbSNP rs144187712, ClinGen allele CA2977261.

ClinVar aggregate classification (germline): Uncertain significance. Review status: criteria provided, multiple submitters, no conflicts (2 of 4 stars). 2 submissions from 2 submitters: Uncertain significance (2). Last evaluated 2024-01-22.

Conditions:
Fraser syndrome 1 (FRASRS1). Also called: CRYPTOPHTHALMOS WITH OTHER MALFORMATIONS. Identifiers: Orphanet 2052, MedGen C4551480, MONDO:0054737, OMIM 219000.

Allele frequency attached by ClinVar (database versions not stated): gnomAD 0.00013; ExAC 0.00017; 1000 Genomes Project 0.00020; ESP Exome Variant Server 0.00024; gnomAD exomes 0.00024; 1000 Genomes Project 30x 0.00031.

Submissions (2):

Labcorp Genetics (formerly Invitae), Labcorp
Classification: Uncertain significance. Last evaluated: 2024-01-22. Review status: criteria provided, single submitter. Criteria: Invitae Variant Classification Sherloc (09022015). Collection method: clinical testing. Allele origin: germline.
Comment: This sequence change replaces arginine, which is basic and polar, with histidine, which is basic and polar, at codon 1542 of the FRAS1 protein (p.Arg1542His). This variant is present in population databases (rs144187712, gnomAD 0.03%). This variant has not been reported in the literature in individuals affected with FRAS1-related conditions. ClinVar contains an entry for this variant (Variation ID: 2200622). Advanced modeling of protein sequence and biophysical properties (such as structural, functional, and spatial information, amino acid conservation, physicochemical variation, residue mobility, and thermodynamic stability) performed at Invitae indicates that this missense variant is not expected to disrupt FRAS1 protein function with a negative predictive value of 80%. In summary, the available evidence is currently insufficient to determine the role of this variant in disease. Therefore, it has been classified as a Variant of Uncertain Significance.

Fulgent Genetics
Classification: Uncertain significance for Fraser syndrome 1. Last evaluated: 2023-12-29. Review status: criteria provided, single submitter. Criteria: ACMG Guidelines, 2015. Collection method: clinical testing. Allele origin: germline.